The following is an entry in ClinVar:

ClinVar aggregate classification (germline): Pathogenic (1 of 4 stars; one submission).

Conditions:
Cardiovascular phenotype. Identifiers: MedGen CN230736.
Hereditary cancer-predisposing syndrome. Also called: Neoplastic Syndromes, Hereditary; Hereditary Cancer Syndrome; Tumor predisposition; Hereditary neoplastic syndrome. Identifiers: Orphanet 140162, MedGen C0027672, MeSH D009386, MONDO:0015356.

Submission:

Ambry Genetics
Classification: Pathogenic for Cardiovascular phenotype; Hereditary cancer-predisposing syndrome. Last evaluated: 2022-12-14. Review status: criteria provided, single submitter. Criteria: Ambry Variant Classification Scheme 2023. Collection method: clinical testing. Allele origin: germline.
Comment: The c.1032delC pathogenic mutation, located in coding exon 10 of the LZTR1 gene, results from a deletion of one nucleotide at nucleotide position 1032, causing a translational frameshift with a predicted alternate stop codon (p.E345Rfs*6). This alteration is expected to result in loss of function by premature protein truncation or nonsense-mediated mRNA decay. Loss-of-function variants in LZTR1 are related to an increased risk for schwannomas and autosomal recessive Noonan syndrome; however, such associations with autosomal dominant Noonan syndrome have not been observed (Piotrowski A et al. Nat Genet. 2014 Feb;46:182-7; Yamamoto GL et al. J Med Genet. 2015 Jun;52:413-21; Johnston JJ et al. Genet Med. 2018 10;20:1175-1185). Based on the supporting evidence, this variant is pathogenic for an increased risk of LZTR1-related schwannomatosis (SWN) and would be expected to cause autosomal recessive Noonan syndrome when present along with a second pathogenic or likely pathogenic variant on the other allele; however, the association of this alteration with autosomal dominant Noonan syndrome is unlikely.

NM_006767.4(LZTR1):c.1032del (p.Glu345fs)

Gene: LZTR1 (leucine zipper like post translational regulator 1; plus strand). Cytogenetic location: 22q11.21.
Variant type: Deletion.
Coding change: c.1032del on transcript NM_006767.4 (MANE Select); coding-DNA position 1032, one base deleted (C; older notation c.1032delC).
Protein change: p.Glu345fs; shifts the reading frame from glutamic acid 345.
Molecular consequence: frameshift variant.
Genome position (GRCh38, 1-based): chr22:20,992,252, C deleted; the last of 2 consecutive C bases (chr22:20,992,251-20,992,252); deleting either gives the same sequence. VCF-style (leftmost placement, unchanged base first): chr22-20992250-TC-T. GRCh37 (hg19) VCF-style: chr22-21346539-TC-T.
Other names: short protein forms E345fs.
Identifiers: ClinVar variation 2447709 (VCV002447709.2), dbSNP rs1441230589, ClinGen allele CA2580099224.